The following is an entry in ClinVar:

ClinVar aggregate classification (germline): Pathogenic (1 of 4 stars; one submission).

Allele frequency attached by ClinVar (database versions not stated): gnomAD exomes below 0.00001.

Submission:

Labcorp Genetics (formerly Invitae), Labcorp
Classification: Pathogenic. Last evaluated: 2023-02-22. Review status: criteria provided, single submitter. Criteria: Invitae Variant Classification Sherloc (09022015). Collection method: clinical testing. Allele origin: germline.
Comment: Algorithms developed to predict the effect of sequence changes on RNA splicing suggest that this variant may disrupt the consensus splice site. This variant has not been reported in the literature in individuals affected with FOXRED1-related conditions. This variant is not present in population databases (gnomAD no frequency). For these reasons, this variant has been classified as Pathogenic. This sequence change creates a premature translational stop signal (p.Ile115Phefs*30) in the FOXRED1 gene. It is expected to result in an absent or disrupted protein product. Loss-of-function variants in FOXRED1 are known to be pathogenic (PMID: 20818383, 20858599).

Literature cited by the submitters: PubMed 20818383; PubMed 20858599.

NM_017547.4(FOXRED1):c.343del (p.Ile115fs)

Gene: FOXRED1 (FAD dependent oxidoreductase domain containing 1; plus strand). Cytogenetic location: 11q24.2.
Variant type: Deletion.
Coding change: c.343del on transcript NM_017547.4 (MANE Select); coding-DNA position 343, one base deleted (A; older notation c.343delA).
Protein change: p.Ile115fs; shifts the reading frame from isoleucine 115.
Molecular consequence: frameshift variant. On other transcripts: non-coding transcript variant (2).
Genome position (GRCh38, 1-based): chr11:126,273,005, A deleted. VCF-style (leftmost placement, unchanged base first): chr11-126273004-GA-G. GRCh37 (hg19) VCF-style: chr11-126142899-GA-G.
Other names: c.343delA, p.Ile115Phefs (NM_001425160.1, NM_001425161.1, NM_001425163.1 and 4 more transcripts); c.-168delA (NM_001425168.1, NM_001425170.1); c.-188delA (NM_001425169.1); c.-215delA (NM_001425171.1, NM_001425172.1); c.-196delA (NM_001425173.1, NM_001425174.1, NM_001425175.1); short protein forms I115fs.
Identifiers: ClinVar variation 2839966 (VCV002839966.3), dbSNP rs2497176150, ClinGen allele CA2616720140.
Genomic context (GRCh38, chr11:126,273,004, plus strand): 5'-CTCAACTTTTCTTGTCTTTCCACAGTATTCACAGGCCTCCACTGGGCTCTCAGTAGGTGG[GA>G]TTTGTCAGCAGTTCTCATTGCCTGAGAACATCCAGCTCTCCCTCTTTTCAGCCAGCTTTC-3'